The following is an entry in ClinVar:

ClinVar aggregate classification (germline): Uncertain significance (1 of 4 stars; one submission).

Allele frequency attached by ClinVar (database versions not stated): gnomAD 0.00001.
gnomAD v4.1: 1 of 1,611,708 alleles (0.000062%); highest among the groups gnomAD compares: African/African-American, 0.0013%; no homozygotes.

Submission:

Labcorp Genetics (formerly Invitae), Labcorp
Classification: Uncertain significance. Last evaluated: 2022-07-28. Review status: criteria provided, single submitter. Criteria: Invitae Variant Classification Sherloc (09022015). Collection method: clinical testing. Allele origin: germline.
Comment: This sequence change replaces glutamine, which is neutral and polar, with leucine, which is neutral and non-polar, at codon 824 of the IARS protein (p.Gln824Leu). This variant is not present in population databases (gnomAD no frequency). This variant has not been reported in the literature in individuals affected with IARS-related conditions. Algorithms developed to predict the effect of missense changes on protein structure and function (SIFT, PolyPhen-2, Align-GVGD) all suggest that this variant is likely to be tolerated. In summary, the available evidence is currently insufficient to determine the role of this variant in disease. Therefore, it has been classified as a Variant of Uncertain Significance.

NM_002161.6(IARS1):c.2471A>T (p.Gln824Leu)

Gene: IARS1 (isoleucyl-tRNA synthetase 1; minus strand). Cytogenetic location: 9q22.31.
Variant type: single nucleotide variant.
Coding change: c.2471A>T on transcript NM_002161.6 (MANE Select); coding-DNA position 2471, A replaced by T.
Protein change: p.Gln824Leu; replaces glutamine 824 with leucine.
Molecular consequence: missense variant. On other transcripts: non-coding transcript variant (1).
Genome position (GRCh38, 1-based): chr9:92,250,248, T>A on the plus strand (A>T on the coding strand, the complement: IARS1 is on the minus strand). VCF-style: chr9-92250248-T-A. GRCh37 (hg19) VCF-style: chr9-95012530-T-A.
Other names: c.2396A>T, p.Gln799Leu (NM_001374299.1, NM_001374300.1, NM_001378584.1); c.2387A>T, p.Gln796Leu (NM_001374301.1); c.2534A>T, p.Gln845Leu (NM_001378569.1); c.2492A>T, p.Gln831Leu (NM_001378571.1); c.2471A>T, p.Gln824Leu (NM_001378572.1, NM_001378573.1, NM_001378574.1 and 9 more transcripts); c.2375A>T, p.Gln792Leu (NM_001378582.1); c.2348A>T, p.Gln783Leu (NM_001378583.1); short protein forms Q783L, Q792L, Q831L, Q845L, Q796L, Q799L, Q824L.
Identifiers: ClinVar variation 2019495 (VCV002019495.1), dbSNP rs1829817606, ClinGen allele CA373813433.